The following is an entry in ClinVar:

NM_001130021.3(ATP6V0A1):c.2219G>C (p.Arg740Pro)

Gene: ATP6V0A1 (ATPase H+ transporting V0 subunit a1; plus strand). Cytogenetic location: 17q21.2.
Variant type: single nucleotide variant.
Coding change: c.2219G>C on transcript NM_001130021.3 (MANE Select); coding-DNA position 2219, G replaced by C.
Protein change: p.Arg740Pro; replaces arginine 740 with proline.
Molecular consequence: missense variant.
Genome position (GRCh38, 1-based): chr17:42,513,949, G>C. VCF-style: chr17-42513949-G-C. GRCh37 (hg19) VCF-style: chr17-40665967-G-C.
Other names: c.2222G>C, p.Arg741Pro (NM_001130020.3, NM_001378541.1); c.2240G>C, p.Arg747Pro (NM_001378522.1, NM_001378539.1); c.2114G>C, p.Arg705Pro (NM_001378523.1); c.2417G>C, p.Arg806Pro (NM_001378530.1); c.2363G>C, p.Arg788Pro (NM_001378531.1); c.2345G>C, p.Arg782Pro (NM_001378532.1); c.2342G>C, p.Arg781Pro (NM_001378533.1); c.2315G>C, p.Arg772Pro (NM_001378534.1); and 15 more; short protein forms R658P, R663P, R664P, R669P, R670P, R680P, R681P, R691P.
Identifiers: ClinVar variation 4535425 (VCV004535425.6).
Genomic context (GRCh38, chr17:42,513,949, plus strand): 5'-AGGCCATCCACACCATCGAGTACTGCCTGGGCTGCATCTCCAACACTGCCTCCTACTTGC[G>C]GCTCTGGGCCCTCAGCCTCGCTCATGCGCGTGAGTACCTCTCTCCGGGCTCCGGAACTCT-3'
Protein context (NP_001123493.1, residues 730-750): GCISNTASYL[Arg740Pro]LWALSLAHAQ

ClinVar aggregate classification (germline): Likely pathogenic (1 of 4 stars; one submission).

Submission:

CeGaT Center for Human Genetics Tuebingen
Classification: Likely pathogenic. Last evaluated: 2025-11-01. Review status: criteria provided, single submitter. Criteria: CeGaT Center For Human Genetics Tuebingen Variant Classification Criteria Version 2. Collection method: clinical testing. Allele origin: germline. Affected: yes. Observed: 1 variant allele.
Comment: ATP6V0A1: PM2, PM5, PP3, PS2:Supporting